The following is an entry in ClinVar:

NM_001673.5(ASNS):c.1193A>C (p.Tyr398Ser)

Genes: ASNS (asparagine synthetase (glutamine-hydrolyzing); minus strand), CZ1P-ASNS (CZ1P-ASNS readthrough; minus strand). Cytogenetic location: 7q21.3.
Variant type: single nucleotide variant.
Coding change: c.1193A>C on transcript NM_001673.5 (MANE Select); coding-DNA position 1193, A replaced by C.
Protein change: p.Tyr398Ser; replaces tyrosine 398 with serine.
Molecular consequence: missense variant. On other transcripts: non-coding transcript variant (1).
Genome position (GRCh38, 1-based): chr7:97,854,625, T>G on the plus strand (A>C on the coding strand, the complement: ASNS is on the minus strand). VCF-style: chr7-97854625-T-G. GRCh37 (hg19) VCF-style: chr7-97483937-T-G.
Other names: Y398C; c.1130A>C, p.Tyr377Ser (NM_001178075.2); c.944A>C, p.Tyr315Ser (NM_001178076.2, NM_001178077.1); c.1193A>C, p.Tyr398Ser (NM_001352496.2, NM_133436.3, NM_183356.4); short protein forms Y315S, Y398S, Y377S.
Identifiers: ClinVar variation 1456043 (VCV001456043.12), dbSNP rs1166271142, ClinGen allele CA368265405.

ClinVar aggregate classification (germline): Pathogenic/Likely pathogenic. Review status: criteria provided, multiple submitters, no conflicts (2 of 4 stars). 6 submissions from 6 submitters: Pathogenic (1); Likely pathogenic (4). 1 of the submissions does not count toward it. Last evaluated 2026-02-24.

Conditions:
Congenital microcephaly - severe encephalopathy - progressive cerebral atrophy syndrome. Also called: ASNS DEFICIENCY; Asparagine synthetase deficiency. Identifiers: Orphanet 391376, MedGen C3809971, MONDO:0014258, OMIM 615574.

Allele frequency attached by ClinVar (database versions not stated): gnomAD 0.00001; TOPMed 0.00001.
gnomAD v4.1: 2 of 1,614,030 alleles (0.00012%); highest among the groups gnomAD compares: East Asian, 0.0045%; no homozygotes.

Submissions (6):

Myriad Genetics, Inc.
Classification: Likely pathogenic for Congenital microcephaly - severe encephalopathy - progressive cerebral atrophy syndrome. Last evaluated: 2026-02-24. Review status: criteria provided, single submitter. Criteria: Myriad Autosomal Dominant, Autosomal Recessive and X-Linked Classification Criteria (2023). Collection method: clinical testing. Allele origin: unknown.
Comment: NM_001673.4(ASNS):c.1193A>C(Y398S) is a missense variant classified as likely pathogenic in the context of asparagine synthetase deficiency. Y398S has been observed in a case with relevant disease (PMID: 31698190). Relevant functional assessments of this variant are not available in the literature. Internal structural analysis of the variant is supportive of pathogenicity. Y398S has been observed in referenced population frequency databases. In summary, NM_001673.4(ASNS):c.1193A>C(Y398S) is a missense variant that has internal structural support for pathogenicity and has been observed more frequently in cases with the relevant disease than in healthy populations. Please note: this variant was assessed in the context of healthy population screening.

Labcorp Genetics (formerly Invitae), Labcorp
Classification: Pathogenic. Last evaluated: 2025-08-20. Review status: criteria provided, single submitter. Criteria: Invitae Variant Classification Sherloc (09022015). Collection method: clinical testing. Allele origin: germline.
Comment: This sequence change replaces tyrosine, which is neutral and polar, with serine, which is neutral and polar, at codon 398 of the ASNS protein (p.Tyr398Ser). This variant is present in population databases (no rsID available, gnomAD 0.01%). This missense change has been observed in individual(s) with asparagine synthetase deficiency (PMID: 31698190). It has also been observed to segregate with disease in related individuals. This variant is also known as c.944A>C. ClinVar contains an entry for this variant (Variation ID: 1456043). Invitae Evidence Modeling of protein sequence and biophysical properties (such as structural, functional, and spatial information, amino acid conservation, physicochemical variation, residue mobility, and thermodynamic stability) indicates that this missense variant is not expected to disrupt ASNS protein function with a negative predictive value of 80%. This variant disrupts the p.Tyr398 amino acid residue in ASNS. Other variant(s) that disrupt this residue have been determined to be pathogenic (PMID: 25227173, 25663424, 27422383). This suggests that this residue is clinically significant, and that variants that disrupt this residue are likely to be disease-causing. For these reasons, this variant has been classified as Pathogenic.

Natera, Inc.
Classification: Likely pathogenic for Asparagine synthetase deficiency. Last evaluated: 2024-10-14. Review status: criteria provided, single submitter. Criteria: Natera Variant Classification Schema (03/2026). Collection method: clinical testing. Allele origin: germline.
Comment: The c.1193A>C variant in ASNS is a missense variant predicted to cause substitution of tyrosine to serine at amino acid 398. This variant is rare in the general population with a frequency below the threshold expected for the associated phenotype(s). This variant has been observed in one or more individuals affected with the associated recessive disease, as either homozygous or compound heterozygous with a second variant (PMID: 25227173). A different variant at the same position has been determined to be Pathogenic or Likely Pathogenic. Computational prediction algorithms indicate this variant is likely to affect gene or protein function. Given the available evidence, this variant is classified as Likely Pathogenic.

Dubai Health Genomic Medicine Center, Dubai Health
Classification: Likely pathogenic for Asparagine synthetase deficiency. Last evaluated: 2024-10-04. Review status: criteria provided, single submitter. Criteria: ACMG Guidelines, 2015. Collection method: research. Allele origin: germline. Affected: yes.
Comment: PM5,PM2,PP1,PP3

Juno Genomics, Hangzhou Juno Genomics, Inc
Classification: Likely pathogenic for Congenital microcephaly - severe encephalopathy - progressive cerebral atrophy syndrome. Review status: criteria provided, single submitter. Criteria: ACMG Guidelines, 2015. Collection method: clinical testing. Allele origin: germline.
Comment: Absent from controls (or at extremely low frequency if recessive) in Genome Aggregation Database.;For recessive disorders, detected in trans with a pathogenic variant.;Patient's phenotype or family history is highly specific for a disease with a single genetic etiology.;Novel missense change at an amino acid residue where a different missense change determined to be pathogenic has been seen before.

OMIM
Classification: Pathogenic for ASPARAGINE SYNTHETASE DEFICIENCY. Last evaluated: 2026-09-29. Review status: no assertion criteria provided. Collection method: literature only. Allele origin: germline. Not counted in ClinVar's aggregate classification.

Literature cited by the submitters: PubMed 31698190 (cited by Myriad Genetics, Inc. and Labcorp Genetics (formerly Invitae), Labcorp); PubMed 25227173 (cited by 3 submitters); PubMed 25663424 (cited by Labcorp Genetics (formerly Invitae), Labcorp); PubMed 27422383 (cited by Labcorp Genetics (formerly Invitae), Labcorp).